The following is an entry in ClinVar:

ClinVar aggregate classification (germline): Likely benign (1 of 4 stars; one submission).

Allele frequency attached by ClinVar (database versions not stated): gnomAD exomes below 0.00001 and 0.00002; ExAC 0.00001; TOPMed 0.00002; gnomAD 0.00003.
gnomAD v4.1: 39 of 1,614,010 alleles (0.0024%); highest among the groups gnomAD compares: Non-Finnish European, 0.0031%; no homozygotes.

Submission:

GeneDx
Classification: Likely benign. Last evaluated: 2017-09-28. Review status: criteria provided, single submitter. Criteria: GeneDx Variant Classification (06012015). Collection method: clinical testing. Allele origin: germline. Affected: yes.
Comment: This variant is considered likely benign or benign based on one or more of the following criteria: it is a conservative change, it occurs at a poorly conserved position in the protein, it is predicted to be benign by multiple in silico algorithms, and/or has population frequency not consistent with disease.

NM_004320.6(ATP2A1):c.2361G>T (p.Leu787=)

Gene: ATP2A1 (ATPase sarcoplasmic/endoplasmic reticulum Ca2+ transporting 1; plus strand). Cytogenetic location: 16p11.2.
Variant type: single nucleotide variant.
Coding change: c.2361G>T on transcript NM_004320.6 (MANE Select); coding-DNA position 2361, G replaced by T.
Protein change: p.Leu787=; no amino-acid change (leucine 787 retained).
Molecular consequence: synonymous variant.
Genome position (GRCh38, 1-based): chr16:28,902,223, G>T. VCF-style: chr16-28902223-G-T. GRCh37 (hg19) VCF-style: chr16-28913544-G-T.
Other names: c.1986G>T, p.Leu662= (NM_001286075.2); c.2361G>T, p.Leu787= (NM_173201.5).
Identifiers: ClinVar variation 512278 (VCV000512278.1), dbSNP rs746571879, ClinGen allele CA7987242.